The following is an entry in ClinVar:

NM_001032283.3(TMPO):c.565+2221C>T

Gene: TMPO (thymopoietin; plus strand). Cytogenetic location: 12q23.1.
Variant type: single nucleotide variant.
Coding change: c.565+2221C>T on transcript NM_001032283.3 (MANE Select); 2221 bases into the intron after coding-DNA position 565, C replaced by T.
Molecular consequence: intron variant. On other transcripts: missense variant (1).
Genome position (GRCh38, 1-based): chr12:98,534,059, C>T. VCF-style: chr12-98534059-C-T. GRCh37 (hg19) VCF-style: chr12-98927837-C-T.
Other names: c.1802C>T, p.Ala601Val (NM_003276.2); c.565+2221C>T (NM_001307975.2, NM_001032284.3); short protein forms A601V.
Identifiers: ClinVar variation 3808571 (VCV003808571.1).

ClinVar aggregate classification (germline): Uncertain significance (1 of 4 stars; one submission).

Submission:

Ambry Genetics
Classification: Uncertain significance. Last evaluated: 2024-12-17. Review status: criteria provided, single submitter. Criteria: Ambry Variant Classification Scheme 2023. Collection method: clinical testing. Allele origin: germline.
Comment: The p.A601V variant (also known as c.1802C>T), located in coding exon 4 of the TMPO gene, results from a C to T substitution at nucleotide position 1802. The alanine at codon 601 is replaced by valine, an amino acid with similar properties. This amino acid position is conserved. In addition, this alteration is predicted to be tolerated by in silico analysis. Based on the available evidence, the clinical significance of this variant remains unclear.